The following is an entry in ClinVar:

NM_006767.4(LZTR1):c.1450-14C>T

Gene: LZTR1 (leucine zipper like post translational regulator 1; plus strand). Cytogenetic location: 22q11.21.
Variant type: single nucleotide variant.
Coding change: c.1450-14C>T on transcript NM_006767.4 (MANE Select); 14 bases into the intron before coding-DNA position 1450, C replaced by T.
Molecular consequence: intron variant.
Genome position (GRCh38, 1-based): chr22:20,994,090, C>T. VCF-style: chr22-20994090-C-T. GRCh37 (hg19) VCF-style: chr22-21348379-C-T.
Identifiers: ClinVar variation 928951 (VCV000928951.10), dbSNP rs767640622, ClinGen allele CA10118901.

ClinVar aggregate classification (germline): Benign/Likely benign. Review status: criteria provided, multiple submitters, no conflicts (2 of 4 stars). 4 submissions from 4 submitters: Benign (1); Likely benign (3). Last evaluated 2025-12-04.

Conditions:
Noonan syndrome (NS). Also called: Noonan's syndrome. Identifiers: Orphanet 648, MedGen C0028326, MeSH D009634, MONDO:0018997. Disease mechanism: gain of function.

Allele frequency attached by ClinVar (database versions not stated): gnomAD exomes 0.00003 and 0.00009; gnomAD 0.00004 and 0.00005; TOPMed 0.00006; ExAC 0.00010.

Submissions (4):

Labcorp Genetics (formerly Invitae), Labcorp
Classification: Likely benign. Last evaluated: 2025-12-04. Review status: criteria provided, single submitter. Criteria: Invitae Variant Classification Sherloc (09022015). Collection method: clinical testing. Allele origin: germline.

Department of Pathology and Laboratory Medicine, Sinai Health System
Classification: Likely benign for Noonan syndrome. Last evaluated: 2023-09-28. Review status: criteria provided, single submitter. Criteria: ACMG Guidelines, 2015. Collection method: clinical testing. Allele origin: germline. Affected: yes.

Blueprint Genetics
Classification: Likely benign. Last evaluated: 2022-02-18. Review status: criteria provided, single submitter. Criteria: ACMG Guidelines, 2015. Collection method: clinical testing. Allele origin: germline.

Women's Health and Genetics/Laboratory Corporation of America, LabCorp
Classification: Benign. Last evaluated: 2019-08-26. Review status: criteria provided, single submitter. Criteria: LabCorp Variant Classification Summary - May 2015. Collection method: clinical testing. Allele origin: germline.
Comment: Variant summary: LZTR1 c.1450-14C>T alters a nucleotide located close to a canonical splice site and therefore could affect mRNA splicing, leading to a significantly altered protein sequence. 5/5 computational tools predict no significant impact on normal splicing. However, these predictions have yet to be confirmed by functional studies. The variant allele was found at a frequency of 0.0001 in 227152 control chromosomes, predominantly at a frequency of 0.0014 within the East Asian subpopulation in the gnomAD database. The observed variant frequency within East Asian control individuals in the gnomAD database is approximately 280 fold of the estimated maximal expected allele frequency for a pathogenic variant in LZTR1 causing Noonan Syndrome and Related Conditions phenotype (5e-06), strongly suggesting that the variant is a benign polymorphism found primarily in populations of East Asian origin. To our knowledge, no occurrence of c.1450-14C>T in individuals affected with Noonan Syndrome and Related Conditions and no experimental evidence demonstrating its impact on protein function have been reported. No clinical diagnostic laboratories have submitted clinical-significance assessments for this variant to ClinVar after 2014. Based on the evidence outlined above, the variant was classified as benign.